The following is an entry in ClinVar:

NM_014714.4(IFT140):c.2072A>T (p.Asp691Val)

Gene: IFT140 (intraflagellar transport 140; minus strand). Cytogenetic location: 16p13.3.
Variant type: single nucleotide variant.
Coding change: c.2072A>T on transcript NM_014714.4 (MANE Select); coding-DNA position 2072, A replaced by T.
Protein change: p.Asp691Val; replaces aspartic acid 691 with valine.
Molecular consequence: missense variant.
Genome position (GRCh38, 1-based): chr16:1,562,112, T>A on the plus strand (A>T on the coding strand, the complement: IFT140 is on the minus strand). VCF-style: chr16-1562112-T-A. GRCh37 (hg19) VCF-style: chr16-1612113-T-A.
Other names: short protein forms D691V.
Identifiers: ClinVar variation 1350921 (VCV001350921.8), dbSNP rs763569081, ClinGen allele CA7814008.

ClinVar aggregate classification (germline): Uncertain significance (1 of 4 stars; one submission).

Conditions:
Saldino-Mainzer syndrome (SRTD9). Also called: CONORENAL SYNDROME; Renal dysplasia, retinal pigmentary dystrophy, cerebellar ataxia and skeletal dysplasia; SHORT-RIB THORACIC DYSPLASIA 9 WITHOUT POLYDACTYLY; short-rib thoracic dysplasia 9 with or without polydactyly. Identifiers: Orphanet 140969, MedGen C1849437, MONDO:0009964, OMIM 266920.

Allele frequency attached by ClinVar (database versions not stated): ExAC 0.00001; TOPMed 0.00001; gnomAD 0.00002.
gnomAD v4.1: 8 of 1,596,714 alleles (0.0005%); highest among the groups gnomAD compares: South Asian, 0.0011%; no homozygotes.

Submission:

Labcorp Genetics (formerly Invitae), Labcorp
Classification: Uncertain significance for Saldino-Mainzer syndrome. Last evaluated: 2021-05-10. Review status: criteria provided, single submitter. Criteria: Invitae Variant Classification Sherloc (09022015). Collection method: clinical testing. Allele origin: germline.
Comment: This variant has not been reported in the literature in individuals with IFT140-related conditions. This variant is present in population databases (rs763569081, ExAC 0.002%). This sequence change replaces aspartic acid with valine at codon 691 of the IFT140 protein (p.Asp691Val). The aspartic acid residue is moderately conserved and there is a large physicochemical difference between aspartic acid and valine. Algorithms developed to predict the effect of missense changes on protein structure and function are either unavailable or do not agree on the potential impact of this missense change (SIFT: "Deleterious"; PolyPhen-2: "Possibly Damaging"; Align-GVGD: "Class C0"). In summary, the available evidence is currently insufficient to determine the role of this variant in disease. Therefore, it has been classified as a Variant of Uncertain Significance.